The following is an entry in ClinVar:

ClinVar aggregate classification (germline): Uncertain significance. Review status: criteria provided, multiple submitters, no conflicts (2 of 4 stars). 3 submissions from 3 submitters: Uncertain significance (2). 1 of the submissions does not count toward it. Last evaluated 2025-01-01.

Conditions:
NHERF1-related disorder. Also called: NHERF1-related condition.
Hypophosphatemic nephrolithiasis/osteoporosis 2. Identifiers: Orphanet 244305, MedGen C2676782, MONDO:0012851, OMIM 612287.

Allele frequency attached by ClinVar (database versions not stated): ESP Exome Variant Server 0.00062; gnomAD exomes 0.00034 and 0.00092; TOPMed 0.00045; ExAC 0.00036; gnomAD 0.00044 and 0.00047.
gnomAD v4.1: 1,385 of 1,614,016 alleles (0.086%); highest among the groups gnomAD compares: Non-Finnish European, 0.11%; 1 homozygote.

Submissions (3):

Labcorp Genetics (formerly Invitae), Labcorp
Classification: Uncertain significance. Last evaluated: 2025-01-01. Review status: criteria provided, single submitter. Criteria: Invitae Variant Classification Sherloc (09022015). Collection method: clinical testing. Allele origin: germline.
Comment: This sequence change replaces isoleucine, which is neutral and non-polar, with methionine, which is neutral and non-polar, at codon 219 of the SLC9A3R1 protein (p.Ile219Met). This variant is present in population databases (rs147104235, gnomAD 0.06%), and has an allele count higher than expected for a pathogenic variant. This variant has not been reported in the literature in individuals affected with SLC9A3R1-related conditions. ClinVar contains an entry for this variant (Variation ID: 561111). An algorithm developed to predict the effect of missense changes on protein structure and function (PolyPhen-2) suggests that this variant is likely to be disruptive. In summary, the available evidence is currently insufficient to determine the role of this variant in disease. Therefore, it has been classified as a Variant of Uncertain Significance.

Baylor Genetics
Classification: Uncertain significance for Hypophosphatemic nephrolithiasis/osteoporosis 2. Last evaluated: 2017-09-01. Review status: criteria provided, single submitter. Criteria: ACMG Guidelines, 2015. Collection method: clinical testing. Allele origin: germline. Inheritance: Autosomal dominant inheritance.
Comment: However, it has also been found in controls and in 3 other such individuals in our laboroatory without such phenotypes.

PreventionGenetics, part of Exact Sciences
Classification: Likely benign for NHERF1-related condition. Last evaluated: 2023-11-15. Review status: no assertion criteria provided. Collection method: clinical testing. Allele origin: germline. Not counted in ClinVar's aggregate classification.
Comment: This variant is classified as likely benign based on ACMG/AMP sequence variant interpretation guidelines (Richards et al. 2015 PMID: 25741868, with internal and published modifications).

Literature cited by the submitters: PubMed 25326635 (cited by Baylor Genetics).

NM_004252.5(NHERF1):c.657C>G (p.Ile219Met)

Gene: NHERF1 (NHERF family PDZ scaffold protein 1; plus strand). Cytogenetic location: 17q25.1.
Variant type: single nucleotide variant.
Coding change: c.657C>G on transcript NM_004252.5 (MANE Select); coding-DNA position 657, C replaced by G.
Protein change: p.Ile219Met; replaces isoleucine 219 with methionine.
Molecular consequence: missense variant.
Genome position (GRCh38, 1-based): chr17:74,763,420, C>G. VCF-style: chr17-74763420-C-G. GRCh37 (hg19) VCF-style: chr17-72759559-C-G.
Other names: short protein forms I219M.
Identifiers: ClinVar variation 561111 (VCV000561111.12), dbSNP rs147104235, ClinGen allele CA8750680.